The following is an entry in ClinVar:

ClinVar aggregate classification (germline): Uncertain significance. Review status: criteria provided, multiple submitters, no conflicts (2 of 4 stars). 2 submissions from 2 submitters: Uncertain significance (2). Last evaluated 2023-10-20.

Submissions (2):

Women's Health and Genetics/Laboratory Corporation of America, LabCorp
Classification: Uncertain significance. Last evaluated: 2023-10-20. Review status: criteria provided, single submitter. Criteria: LabCorp Variant Classification Summary - May 2015. Collection method: clinical testing. Allele origin: germline.
Comment: Variant summary: HSPD1 c.323A>C (p.Glu108Ala) results in a non-conservative amino acid change in the encoded protein sequence. Three of five in-silico tools predict a benign effect of the variant on protein function. The variant was absent in 251458 control chromosomes (gnomAD). The available data on variant occurrences in the general population are insufficient to allow any conclusion about variant significance. To our knowledge, no occurrence of c.323A>C in individuals affected with HSPD1-Related Disorders and no experimental evidence demonstrating its impact on protein function have been reported. No submitters have cited clinical-significance assessments for this variant to ClinVar after 2014. Based on the evidence outlined above, the variant was classified as uncertain significance.

Blueprint Genetics
Classification: Uncertain significance. Last evaluated: 2020-01-21. Review status: criteria provided, single submitter. Criteria: ACMG Guidelines, 2015. Collection method: clinical testing. Allele origin: germline.

NM_002156.5(HSPD1):c.323A>C (p.Glu108Ala)

Gene: HSPD1 (heat shock protein family D (Hsp60) member 1; minus strand). Cytogenetic location: 2q33.1.
Variant type: single nucleotide variant.
Coding change: c.323A>C on transcript NM_002156.5 (MANE Select); coding-DNA position 323, A replaced by C.
Protein change: p.Glu108Ala; replaces glutamic acid 108 with alanine.
Molecular consequence: missense variant.
Genome position (GRCh38, 1-based): chr2:197,497,244, T>G on the plus strand (A>C on the coding strand, the complement: HSPD1 is on the minus strand). VCF-style: chr2-197497244-T-G. GRCh37 (hg19) VCF-style: chr2-198361968-T-G.
Other names: c.323A>C, p.Glu108Ala (NM_199440.2); short protein forms E108A.
Identifiers: ClinVar variation 2637839 (VCV002637839.2), dbSNP rs2470122880, ClinGen allele CA350203687.